The following is an entry in ClinVar:

ClinVar aggregate classification (germline): Benign/Likely benign. Review status: criteria provided, multiple submitters, no conflicts (2 of 4 stars). 6 submissions from 6 submitters: Benign (1); Likely benign (4). 1 of the submissions does not count toward it. Last evaluated 2025-10-31.

Conditions:
A2ML1-related disorder. Also called: A2ML1-related condition.

Allele frequency attached by ClinVar (database versions not stated): gnomAD 0.00028 and 0.00029; TOPMed 0.00033; ESP Exome Variant Server 0.00041; gnomAD exomes 0.00056.
gnomAD v4.1: 853 of 1,614,096 alleles (0.053%); highest among the groups gnomAD compares: Non-Finnish European, 0.066%; 2 homozygotes.

Submissions (6):

Labcorp Genetics (formerly Invitae), Labcorp
Classification: Likely benign. Last evaluated: 2025-10-31. Review status: criteria provided, single submitter. Criteria: Invitae Variant Classification Sherloc (09022015). Collection method: clinical testing. Allele origin: germline.

Blueprint Genetics
Classification: Likely benign. Last evaluated: 2024-11-06. Review status: criteria provided, single submitter. Criteria: ACMG Guidelines, 2015. Collection method: clinical testing. Allele origin: germline.

CeGaT Center for Human Genetics Tuebingen
Classification: Likely benign. Last evaluated: 2022-11-01. Review status: criteria provided, single submitter. Criteria: CeGaT Center For Human Genetics Tuebingen Variant Classification Criteria Version 2. Collection method: clinical testing. Allele origin: germline. Affected: yes. Observed: 1 variant allele.
Comment: A2ML1: BP4, BP7

Ambry Genetics
Classification: Likely benign. Last evaluated: 2022-05-06. Review status: criteria provided, single submitter. Criteria: Ambry Variant Classification Scheme 2023. Collection method: clinical testing. Allele origin: germline.

Women's Health and Genetics/Laboratory Corporation of America, LabCorp
Classification: Benign. Last evaluated: 2021-02-14. Review status: criteria provided, single submitter. Criteria: LabCorp Variant Classification Summary - May 2015. Collection method: clinical testing. Allele origin: germline.

PreventionGenetics, part of Exact Sciences
Classification: Likely benign for A2ML1-related condition. Last evaluated: 2023-10-06. Review status: no assertion criteria provided. Collection method: clinical testing. Allele origin: germline. Not counted in ClinVar's aggregate classification.
Comment: This variant is classified as likely benign based on ACMG/AMP sequence variant interpretation guidelines (Richards et al. 2015 PMID: 25741868, with internal and published modifications).

NM_144670.6(A2ML1):c.2841G>A (p.Thr947=)

Gene: A2ML1 (alpha-2-macroglobulin like 1; plus strand). Cytogenetic location: 12p13.31.
Variant type: single nucleotide variant.
Coding change: c.2841G>A on transcript NM_144670.6 (MANE Select); coding-DNA position 2841, G replaced by A.
Protein change: p.Thr947=; no amino-acid change (threonine 947 retained).
Molecular consequence: synonymous variant.
Genome position (GRCh38, 1-based): chr12:8,855,585, G>A. VCF-style: chr12-8855585-G-A. GRCh37 (hg19) VCF-style: chr12-9008181-G-A.
Other names: c.1368G>A, p.Thr456= (NM_001282424.3).
Identifiers: ClinVar variation 241897 (VCV000241897.40), dbSNP rs201562692, ClinGen allele CA6436161.
Genomic context (GRCh38, chr12:8,855,585, plus strand): 5'-ATCTGTCTCCCTGGAGCTCCCAGTGGACATTGTTCCTGACTCGACCAAGGCTTATGTTAC[G>A]GTTCTGGGTAAGCAGTTAGAGATTCTTGACTCAGAAAGGAAAAGGCGAATGGAGGCTGCA-3'
Protein context (NP_653271.3, residues 937-957): IVPDSTKAYV[Thr947=]VLGDIMGTAL